The following is an entry in ClinVar:

ClinVar aggregate classification (germline): Uncertain significance (1 of 4 stars; one submission).

Submission:

Labcorp Genetics (formerly Invitae), Labcorp
Classification: Uncertain significance. Last evaluated: 2025-11-15. Review status: criteria provided, single submitter. Criteria: Invitae Variant Classification Sherloc (09022015). Collection method: clinical testing. Allele origin: germline.
Comment: This sequence change replaces serine, which is neutral and polar, with arginine, which is basic and polar, at codon 566 of the COMP protein (p.Ser566Arg). This variant is not present in population databases (gnomAD no frequency). This variant has not been reported in the literature in individuals affected with COMP-related conditions. Invitae Evidence Modeling of protein sequence and biophysical properties (such as structural, functional, and spatial information, amino acid conservation, physicochemical variation, residue mobility, and thermodynamic stability) indicates that this missense variant is expected to disrupt COMP protein function with a positive predictive value of 80%. Algorithms developed to predict the effect of sequence changes on RNA splicing suggest that this variant may disrupt the consensus splice site. In summary, the available evidence is currently insufficient to determine the role of this variant in disease. Therefore, it has been classified as a Variant of Uncertain Significance.

NM_000095.3(COMP):c.1698C>G (p.Ser566Arg)

Gene: COMP (cartilage oligomeric matrix protein; minus strand). Cytogenetic location: 19p13.11.
Variant type: single nucleotide variant.
Coding change: c.1698C>G on transcript NM_000095.3 (MANE Select); coding-DNA position 1698, C replaced by G.
Protein change: p.Ser566Arg; replaces serine 566 with arginine.
Molecular consequence: missense variant.
Genome position (GRCh38, 1-based): chr19:18,785,517, G>C on the plus strand (C>G on the coding strand, the complement: COMP is on the minus strand). VCF-style: chr19-18785517-G-C. GRCh37 (hg19) VCF-style: chr19-18896327-G-C.
Other names: short protein forms S566R.
Identifiers: ClinVar variation 4742330 (VCV004742330.1).